The following is an entry in ClinVar:

ClinVar aggregate classification (germline): Pathogenic. Review status: criteria provided, single submitter (1 of 4 stars). 2 submissions from 2 submitters: Pathogenic (1). 1 of the submissions does not count toward it. Last evaluated 2023-08-27.

Conditions:
Tuberous sclerosis syndrome (TSC). Also called: Tuberous Sclerosis Complex; Tuberous sclerosis. Identifiers: Orphanet 805, MedGen C0041341, MONDO:0001734.
Tuberous sclerosis 2 (TSC2). Identifiers: Orphanet 805, MedGen C1860707, MONDO:0013199, OMIM 613254.

Submissions (2):

Labcorp Genetics (formerly Invitae), Labcorp
Classification: Pathogenic for Tuberous sclerosis 2. Last evaluated: 2023-08-27. Review status: criteria provided, single submitter. Criteria: Invitae Variant Classification Sherloc (09022015). Collection method: clinical testing. Allele origin: germline.
Comment: For these reasons, this variant has been classified as Pathogenic. This variant disrupts a region of the TSC2 protein in which other variant(s) (p.His1746Pro) have been determined to be pathogenic (Invitae). This suggests that this is a clinically significant region of the protein, and that variants that disrupt it are likely to be disease-causing. ClinVar contains an entry for this variant (Variation ID: 50003). This variant is also known as Phe1675fs. This frameshift has been observed in individual(s) with clinical features of tuberous sclerosis complex (PMID: 9829910). This variant is not present in population databases (gnomAD no frequency). This sequence change results in a frameshift in the TSC2 gene (p.Leu1676Trpfs*150). While this is not anticipated to result in nonsense mediated decay, it is expected to disrupt the last 132 amino acid(s) of the TSC2 protein and extend the protein by 17 additional amino acid residues.

Tuberous sclerosis database (TSC2)
No classification provided. Condition: TSC. Review status: no classification provided. Criteria: Tuberous Sclerosis Database Assertion Criteria 2015. Collection method: curation. Allele origin: germline. Affected: yes. Not counted in ClinVar's aggregate classification.

Literature cited by the submitters: PubMed 9829910 (cited by Labcorp Genetics (formerly Invitae), Labcorp).

NM_000548.5(TSC2):c.5025del (p.Leu1676fs)

Gene: TSC2 (TSC complex subunit 2; plus strand). Cytogenetic location: 16p13.3.
Variant type: Deletion.
Coding change: c.5025del on transcript NM_000548.5 (MANE Select); coding-DNA position 5025, one base deleted (G; older notation c.5025delG).
Protein change: p.Leu1676fs; shifts the reading frame from leucine 1676.
Molecular consequence: frameshift variant.
Genome position (GRCh38, 1-based): chr16:2,087,898, G deleted. VCF-style (leftmost placement, unchanged base first): chr16-2087897-CG-C. GRCh37 (hg19) VCF-style: chr16-2137898-CG-C.
Other names: c.4824del, p.Leu1609fs (NM_001077183.3); c.4956del, p.Leu1653fs (NM_001114382.3); c.4716del, p.Leu1573fs (NM_001318827.2); c.4680del, p.Leu1561fs (NM_001318829.2); c.4293del, p.Leu1432fs (NM_001318831.2); c.4857del, p.Leu1620fs (NM_001318832.2); c.4827del, p.Leu1610fs (NM_001363528.2); c.4893del, p.Leu1632fs (NM_001370404.1); and 1 more; short protein forms L1573fs, L1610fs, L1632fs, L1676fs, L1432fs, L1609fs, L1620fs, L1561fs.
Identifiers: ClinVar variation 50003 (VCV000050003.5), dbSNP rs137854382, ClinGen allele CA021533.